The following is an entry in ClinVar:

ClinVar aggregate classification (germline): Uncertain significance (1 of 4 stars; one submission).

Allele frequency attached by ClinVar (database versions not stated): gnomAD exomes 0.00001; ExAC 0.00002; TOPMed 0.00012; gnomAD 0.00015; 1000 Genomes Project 30x 0.00016; 1000 Genomes Project 0.00020.
gnomAD v4.1: 45 of 1,614,106 alleles (0.0028%); highest among the groups gnomAD compares: Admixed American, 0.035%; no homozygotes.

Submission:

Labcorp Genetics (formerly Invitae), Labcorp
Classification: Uncertain significance. Last evaluated: 2024-10-16. Review status: criteria provided, single submitter. Criteria: Invitae Variant Classification Sherloc (09022015). Collection method: clinical testing. Allele origin: germline.
Comment: This sequence change replaces threonine, which is neutral and polar, with methionine, which is neutral and non-polar, at codon 541 of the CLCN6 protein (p.Thr541Met). This variant is present in population databases (rs578077772, gnomAD 0.009%). This variant has not been reported in the literature in individuals affected with CLCN6-related conditions. An algorithm developed to predict the effect of missense changes on protein structure and function (PolyPhen-2) suggests that this variant is likely to be disruptive. In summary, the available evidence is currently insufficient to determine the role of this variant in disease. Therefore, it has been classified as a Variant of Uncertain Significance.

NM_001286.5(CLCN6):c.1622C>T (p.Thr541Met)

Gene: CLCN6 (chloride voltage-gated channel 6; plus strand). Cytogenetic location: 1p36.22.
Variant type: single nucleotide variant.
Coding change: c.1622C>T on transcript NM_001286.5 (MANE Select); coding-DNA position 1622, C replaced by T.
Protein change: p.Thr541Met; replaces threonine 541 with methionine.
Molecular consequence: missense variant. On other transcripts: non-coding transcript variant (1).
Genome position (GRCh38, 1-based): chr1:11,834,331, C>T. VCF-style: chr1-11834331-C-T. GRCh37 (hg19) VCF-style: chr1-11894388-C-T.
Other names: c.1556C>T, p.Thr519Met (NM_001256959.2); short protein forms T519M, T541M.
Identifiers: ClinVar variation 2997726 (VCV002997726.3), dbSNP rs578077772, ClinGen allele CA596557.